The following is an entry in ClinVar:

ClinVar aggregate classification (germline): Uncertain significance (1 of 4 stars; one submission).

Conditions:
Inborn genetic diseases. Identifiers: MedGen C0950123, MeSH D030342.

gnomAD v4.1: 1 of 1,608,786 alleles (0.000062%); highest among the groups gnomAD compares: Non-Finnish European, 0.000085%; no homozygotes.

Submission:

Ambry Genetics
Classification: Uncertain significance for Inborn genetic diseases. Last evaluated: 2025-03-25. Review status: criteria provided, single submitter. Criteria: Ambry Variant Classification Scheme 2023. Collection method: clinical testing. Allele origin: germline.
Comment: The p.P265S variant (also known as c.793C>T), located in coding exon 7 of the SMAD2 gene, results from a C to T substitution at nucleotide position 793. The proline at codon 265 is replaced by serine, an amino acid with similar properties. This amino acid position is conserved. In addition, this alteration is predicted to be deleterious by in silico analysis. Based on the available evidence, the clinical significance of this variant remains unclear.

NM_005901.6(SMAD2):c.793C>T (p.Pro265Ser)

Gene: SMAD2 (SMAD family member 2; minus strand). Cytogenetic location: 18q21.1.
Variant type: single nucleotide variant.
Coding change: c.793C>T on transcript NM_005901.6 (MANE Select); coding-DNA position 793, C replaced by T.
Protein change: p.Pro265Ser; replaces proline 265 with serine.
Molecular consequence: missense variant.
Genome position (GRCh38, 1-based): chr18:47,848,679, G>A on the plus strand (C>T on the coding strand, the complement: SMAD2 is on the minus strand). VCF-style: chr18-47848679-G-A. GRCh37 (hg19) VCF-style: chr18-45375050-G-A.
Other names: c.793C>T, p.Pro265Ser (NM_001003652.4); c.703C>T, p.Pro235Ser (NM_001135937.3); short protein forms P265S, P235S.
Identifiers: ClinVar variation 3958339 (VCV003958339.1).
Genomic context (GRCh38, chr18:47,848,679, plus strand): 5'-TCTGATTTAATTCATAATATGCTATCGAACACCAAAATGCAGGTTCTGAGTAAGTAACTG[G>A]CTGTAAATCTGAAAAAGAAAAAAATAAAAAAATAATAAAAGGAAGAAATGCGTGAACAAT-3'
Protein context (NP_005892.1, residues 255-275): SPVNHSLDLQ[Pro265Ser]VTYSEPAFWC